The following is an entry in ClinVar:

NM_025114.4(CEP290):c.2632A>G (p.Ile878Val)

Gene: CEP290 (centrosomal protein 290; minus strand). Cytogenetic location: 12q21.32.
Variant type: single nucleotide variant.
Coding change: c.2632A>G on transcript NM_025114.4 (MANE Select); coding-DNA position 2632, A replaced by G.
Protein change: p.Ile878Val; replaces isoleucine 878 with valine.
Molecular consequence: missense variant.
Genome position (GRCh38, 1-based): chr12:88,106,860, T>C on the plus strand (A>G on the coding strand, the complement: CEP290 is on the minus strand). VCF-style: chr12-88106860-T-C. GRCh37 (hg19) VCF-style: chr12-88500637-T-C.
Other names: short protein forms I878V.
Identifiers: ClinVar variation 4998689 (VCV004998689.1).

ClinVar aggregate classification (germline): Uncertain significance (1 of 4 stars; one submission).

Conditions:
CEP290-related disorder. Also called: CEP290-related disorders; CEP290-related condition. Identifiers: MedGen CN239314.

gnomAD v4.1: 1 of 1,606,788 alleles (0.000062%); highest among the groups gnomAD compares: Non-Finnish European, 0.000085%; no homozygotes.

Submission:

PreventionGenetics, part of Exact Sciences
Classification: Uncertain significance for CEP290-related condition. Last evaluated: 2025-03-19. Review status: criteria provided, single submitter. Criteria: ACMG Guidelines, 2015. Collection method: clinical testing. Allele origin: germline.
Comment: The CEP290 c.2632A>G variant is predicted to result in the amino acid substitution p.Ile878Val. To our knowledge, this variant has not been reported in the literature or in a large population database (gnomAD), indicating this variant is rare. At this time, the clinical significance of this variant is uncertain due to the absence of conclusive functional and genetic evidence.